The following is an entry in ClinVar:

ClinVar aggregate classification (germline): Likely benign. Review status: criteria provided, multiple submitters, no conflicts (2 of 4 stars). 6 submissions from 6 submitters: Likely benign (5). 1 of the submissions does not count toward it. Last evaluated 2026-01-31.

Conditions:
POLD1-related polyposis and colorectal cancer syndrome (CRCS10). Also called: Colorectal cancer 10; COLORECTAL CANCER, SUSCEPTIBILITY TO, ON CHROMOSOME 19q; Colorectal cancer, susceptibility to, 10. Identifiers: Orphanet 220460, MedGen C2675481, MONDO:0012953, OMIM 612591.
Carcinoma of colon (CRC). Also called: Colonic carcinoma; Colon carcinoma. Identifiers: MedGen C0699790, MONDO:0002032.

Allele frequency attached by ClinVar (database versions not stated): gnomAD exomes 0.00003 and 0.00007; ExAC 0.00004; gnomAD 0.00007 and 0.00008; TOPMed 0.00008; ESP Exome Variant Server 0.00023.

Submissions (6):

Labcorp Genetics (formerly Invitae), Labcorp
Classification: Likely benign for POLD1-related polyposis and colorectal cancer syndrome. Last evaluated: 2026-01-31. Review status: criteria provided, single submitter. Criteria: Invitae Variant Classification Sherloc (09022015). Collection method: clinical testing. Allele origin: germline.

Myriad Genetics, Inc.
Classification: Likely benign for POLD1-related polyposis and colorectal cancer syndrome. Last evaluated: 2025-02-07. Review status: criteria provided, single submitter. Criteria: Myriad Autosomal Dominant, Autosomal Recessive and X-Linked Classification Criteria (2023). Collection method: clinical testing. Allele origin: unknown.
Comment: This variant is considered likely benign. This variant is intronic and is not expected to impact mRNA splicing.

Women's Health and Genetics/Laboratory Corporation of America, LabCorp
Classification: Likely benign. Last evaluated: 2023-06-05. Review status: criteria provided, single submitter. Criteria: LabCorp Variant Classification Summary - May 2015. Collection method: clinical testing. Allele origin: germline.
Comment: Variant summary: POLD1 c.1686+10C>T alters a non-conserved nucleotide located close to a canonical splice site and therefore could affect mRNA splicing, leading to a significantly altered protein sequence. 4/4 computational tools predict no significant impact on normal splicing. However, these predictions have yet to be confirmed by functional studies. The variant allele was found at a frequency of 3.3e-05 in 241148 control chromosomes. The available data on variant occurrences in the general population are insufficient to allow any conclusion about variant significance. To our knowledge, no occurrence of c.1686+10C>T in individuals affected with Colorectal Cancer and no experimental evidence demonstrating its impact on protein function have been reported. Three clinical diagnostic laboratories have submitted clinical-significance assessments for this variant to ClinVar after 2014 without evidence for independent evaluation. All laboratories classified the variant as likely benign. Based on the evidence outlined above, the variant was classified as likely benign.

Genetic Services Laboratory, University of Chicago
Classification: Likely benign. Last evaluated: 2019-09-12. Review status: criteria provided, single submitter. Criteria: ACMG Guidelines, 2015. Collection method: clinical testing. Allele origin: germline. Affected: no.

GeneDx
Classification: Likely benign. Last evaluated: 2017-05-30. Review status: criteria provided, single submitter. Criteria: GeneDx Variant Classification (06012015). Collection method: clinical testing. Allele origin: germline. Affected: yes.
Comment: This variant is considered likely benign or benign based on one or more of the following criteria: it is a conservative change, it occurs at a poorly conserved position in the protein, it is predicted to be benign by multiple in silico algorithms, and/or has population frequency not consistent with disease.

Department of Pathology and Laboratory Medicine, Sinai Health System
Classification: Likely benign for Carcinoma of colon. Review status: no assertion criteria provided. Collection method: clinical testing. Allele origin: unknown. Affected: yes. Study: The Canadian Open Genetics Repository (COGR). Not counted in ClinVar's aggregate classification.
Comment: The POLD1 c.1686+10C>T variant was not identified in the literature. The variant was identified dbSNP (rs372652150) as â€šÃ„Ãºwith likely benign alleleâ€šÃ„Ã¹ and ClinVar (classified as likely benign by Invitae and GeneDx). The variant was identified in control databases in 11 of 267,230 chromosomes at a frequency of 0.00004 (Genome Aggregation Database Feb 27, 2017). The variant was observed in the following populations: African in 2 of 23,800 chromosomes (freq: 0.00008), European in 7 of 123,466 chromosomes (freq: 0.00006), East Asian in 1 of 18,704 chromosomes (freq: 0.00005), and South Asian in 1 of 29,814 chromosomes (freq: 0.00003). The variant was not observed in the Other, Latino, Ashkenazi Jewish, or Finnish, populations. The variant occurs at a non-highly conserved nucleotide outside of the splicing consensus sequence and in silico or computational prediction software programs (SpliceSiteFinder, MaxEntScan, NNSPLICE, GeneSplicer) do not predict a difference in splicing. In summary, based on the above information the clinical significance of this variant cannot be determined with certainty at this time although we would lean towards a more benign role for this variant. This variant is classified as likely benign.

NM_002691.4(POLD1):c.1686+10C>T

Gene: POLD1 (DNA polymerase delta 1, catalytic subunit; plus strand). Cytogenetic location: 19q13.33.
Variant type: single nucleotide variant.
Coding change: c.1686+10C>T on transcript NM_002691.4 (MANE Select); 10 bases into the intron after coding-DNA position 1686, C replaced by T.
Molecular consequence: intron variant.
Genome position (GRCh38, 1-based): chr19:50,407,184, C>T. VCF-style: chr19-50407184-C-T. GRCh37 (hg19) VCF-style: chr19-50910441-C-T.
Other names: c.1686+10C>T (LRG_785t2, LRG_785t1, NM_001256849.1 and 1 more transcripts).
Identifiers: ClinVar variation 220860 (VCV000220860.19), dbSNP rs372652150, ClinGen allele CA349142.